The following is an entry in ClinVar:

ClinVar aggregate classification (germline): Conflicting classifications of pathogenicity. Review status: criteria provided, conflicting classifications (1 of 4 stars). 8 submissions from 8 submitters: Uncertain significance (2); Benign (1); Likely benign (3). 2 of the submissions do not count toward it. Last evaluated 2026-09-01.

Conditions:
MEGF10-related myopathy (CMYO10A). Also called: Congenital myopathy 10A, severe variant. Identifiers: Orphanet 439212, MedGen C3280679, MONDO:0013731, OMIM 614399.
Inborn genetic diseases. Identifiers: MedGen C0950123, MeSH D030342.

Allele frequency attached by ClinVar (database versions not stated): 1000 Genomes Project 30x 0.00047; 1000 Genomes Project 0.00060; gnomAD 0.00178; ESP Exome Variant Server 0.00215; TOPMed 0.00247.
gnomAD v4.1: 6,289 of 1,614,130 alleles (0.39%); highest among the groups gnomAD compares: Non-Finnish European, 0.5%; 24 homozygotes.

Submissions (8):

CeGaT Center for Human Genetics Tuebingen
Classification: Likely benign. Last evaluated: 2026-09-01. Review status: criteria provided, single submitter. Criteria: CeGaT Center For Human Genetics Tuebingen Variant Classification Criteria Version 2. Collection method: clinical testing. Allele origin: germline. Affected: yes. Observed: 5 variant alleles.
Comment: MEGF10: BS2

Labcorp Genetics (formerly Invitae), Labcorp
Classification: Benign for MEGF10-related myopathy. Last evaluated: 2026-01-23. Review status: criteria provided, single submitter. Criteria: Invitae Variant Classification Sherloc (09022015). Collection method: clinical testing. Allele origin: germline.

Blueprint Genetics
Classification: Likely benign. Last evaluated: 2024-11-25. Review status: criteria provided, single submitter. Criteria: ACMG Guidelines, 2015. Collection method: clinical testing. Allele origin: germline.

Ambry Genetics
Classification: Uncertain significance for Inborn genetic diseases. Last evaluated: 2021-09-27. Review status: criteria provided, single submitter. Criteria: Ambry Variant Classification Scheme 2023. Collection method: clinical testing. Allele origin: germline.

GeneDx
Classification: Likely benign. Last evaluated: 2018-11-26. Review status: criteria provided, single submitter. Criteria: GeneDx Variant Classification Process June 2021. Collection method: clinical testing. Allele origin: germline. Affected: yes.

Illumina Laboratory Services, Illumina
Classification: Uncertain significance for MEGF10-related myopathy. Last evaluated: 2018-01-13. Review status: criteria provided, single submitter. Criteria: ICSL Variant Classification Criteria 13 December 2019. Collection method: clinical testing. Allele origin: germline.

Clinical Genetics DNA and cytogenetics Diagnostics Lab, Erasmus MC, Erasmus Medical Center
Classification: Likely benign. Review status: no assertion criteria provided. Collection method: clinical testing. Allele origin: germline. Affected: yes. Study: VKGL Data-share Consensus. Not counted in ClinVar's aggregate classification.

Genome Diagnostics Laboratory, University Medical Center Utrecht
Classification: Likely benign. Review status: no assertion criteria provided. Collection method: clinical testing. Allele origin: germline. Affected: yes. Study: VKGL Data-share Consensus. Not counted in ClinVar's aggregate classification.

NM_001256545.2(MEGF10):c.1564G>A (p.Gly522Arg)

Gene: MEGF10 (multiple EGF like domains 10; plus strand). Cytogenetic location: 5q23.2.
Variant type: single nucleotide variant.
Coding change: c.1564G>A on transcript NM_001256545.2 (MANE Select); coding-DNA position 1564, G replaced by A.
Protein change: p.Gly522Arg; replaces glycine 522 with arginine.
Molecular consequence: missense variant.
Genome position (GRCh38, 1-based): chr5:127,420,181, G>A. VCF-style: chr5-127420181-G-A. GRCh37 (hg19) VCF-style: chr5-126755873-G-A.
Other names: c.1564G>A, p.Gly522Arg (NM_001308119.2, NM_001308121.2, NM_032446.3); short protein forms G522R.
Identifiers: ClinVar variation 350651 (VCV000350651.47), dbSNP rs140563851, ClinGen allele CA3391612.